The following is an entry in ClinVar:

ClinVar aggregate classification (germline): Conflicting classifications of pathogenicity. Review status: criteria provided, conflicting classifications (1 of 4 stars). 3 submissions from 3 submitters: Likely pathogenic (2); Uncertain significance (1). Last evaluated 2026-09-09.

Conditions:
Inborn genetic diseases. Identifiers: MedGen C0950123, MeSH D030342.

Allele frequency attached by ClinVar (database versions not stated): gnomAD 0.00001; TOPMed 0.00001.
gnomAD v4.1: 2 of 1,613,882 alleles (0.00012%); highest among the groups gnomAD compares: Non-Finnish European, 0.00017%; no homozygotes.

Submissions (3):

GeneDx
Classification: Likely pathogenic. Last evaluated: 2026-09-09. Review status: criteria provided, single submitter. Criteria: GeneDx Variant Classification Process June 2021. Collection method: clinical testing. Allele origin: germline.
Comment: Reported in the heterozygous state in association with brachydactyly type C without foot involvement in the published literature (PMID: 23483675; Hye Ryun Yeh et al. (2014) J Genet Med. 11 (1) DOI 10.5734/JGM.2014.11.1.27); Published functional studies demonstrate a damaging effect on protein function (PMID: 16532400); Not observed at significant frequency in large population cohorts (gnomAD); In silico analysis supports that this missense variant has a deleterious effect on protein structure/function; This variant is associated with the following publications: (PMID: 9288091, 12357473, 25820810, 19956691, 35819086, 33333243, 16127465, 36726183, 36214621, 20683927, 11263662, 23483675, Yeh2014[article], 16005596, 16532400)

Ambry Genetics
Classification: Uncertain significance for Inborn genetic diseases. Last evaluated: 2026-03-20. Review status: criteria provided, single submitter. Criteria: Ambry Variant Classification Scheme 2023. Collection method: clinical testing. Allele origin: germline.
Comment: The c.1312C>T (p.R438C) alteration is located in exon 2 (coding exon 2) of the GDF5 gene. This alteration results from a C to T substitution at nucleotide position 1312, causing the arginine (R) at amino acid position 438 to be replaced by a cysteine (C). This variant was not reported in population-based cohorts in the Genome Aggregation Database (gnomAD). This variant was reported in individual(s) with features consistent with GDF5-related osteochondrodysplasia (Dobbs, 2005; Everman, 2002; Polinkovsky, 1997; Seo, 2013). This amino acid position is highly conserved in available vertebrate species. Based on internal structural analysis, this variant is anticipated to disrupt a key residue (R438) located within the receptor interaction interface of GDF5, resulting in inefficient dimerization (Gigout, 2023; Seemann, 2005) . This alteration is predicted to be deleterious by in silico analysis. Based on insufficient or conflicting evidence, the clinical significance of this alteration remains unclear.

Labcorp Genetics (formerly Invitae), Labcorp
Classification: Likely pathogenic. Last evaluated: 2023-12-21. Review status: criteria provided, single submitter. Criteria: Invitae Variant Classification Sherloc (09022015). Collection method: clinical testing. Allele origin: germline.
Comment: This sequence change replaces arginine, which is basic and polar, with cysteine, which is neutral and slightly polar, at codon 438 of the GDF5 protein (p.Arg438Cys). This variant is not present in population databases (gnomAD no frequency). This missense change has been observed in individuals with autosomal dominant brachydactyly (PMID: 9288091, 16005596, 23483675). Advanced modeling of protein sequence and biophysical properties (such as structural, functional, and spatial information, amino acid conservation, physicochemical variation, residue mobility, and thermodynamic stability) performed at Invitae indicates that this missense variant is expected to disrupt GDF5 protein function with a positive predictive value of 80%. Studies have shown that this missense change alters GDF5 gene expression (PMID: 12357473, 16532400). In summary, the currently available evidence indicates that the variant is pathogenic, but additional data are needed to prove that conclusively. Therefore, this variant has been classified as Likely Pathogenic.

Literature cited by the submitters: PubMed 9288091 (cited by Ambry Genetics and Labcorp Genetics (formerly Invitae), Labcorp); PubMed 12357473 (cited by Ambry Genetics and Labcorp Genetics (formerly Invitae), Labcorp); PubMed 16005596 (cited by Ambry Genetics and Labcorp Genetics (formerly Invitae), Labcorp); PubMed 16127465 (cited by Ambry Genetics); PubMed 23483675 (cited by Ambry Genetics and Labcorp Genetics (formerly Invitae), Labcorp); PubMed 36054172 (cited by Ambry Genetics); PubMed 16532400 (cited by Labcorp Genetics (formerly Invitae), Labcorp).

NM_000557.5(GDF5):c.1312C>T (p.Arg438Cys)

Genes: GDF5 (growth differentiation factor 5; minus strand), GDF5-AS1 (GDF5 antisense RNA 1; plus strand). Cytogenetic location: 20q11.22.
Variant type: single nucleotide variant.
Coding change: c.1312C>T on transcript NM_000557.5 (MANE Select); coding-DNA position 1312, C replaced by T.
Protein change: p.Arg438Cys; replaces arginine 438 with cysteine.
Molecular consequence: missense variant. On other transcripts: non-coding transcript variant (1).
Genome position (GRCh38, 1-based): chr20:35,434,103, G>A on the plus strand (C>T on the coding strand, the complement: GDF5 is on the minus strand). VCF-style: chr20-35434103-G-A. GRCh37 (hg19) VCF-style: chr20-34021901-G-A.
Other names: c.1312C>T (NM_000557.2); c.1312C>T, p.Arg438Cys (NM_001319138.2); short protein forms R438C.
Identifiers: ClinVar variation 2696085 (VCV002696085.6), dbSNP rs906176970, ClinGen allele CA408738450.